The following is an entry in ClinVar:

NM_182972.3(IRF2BP2):c.745C>T (p.His249Tyr)

Gene: IRF2BP2 (interferon regulatory factor 2 binding protein 2; minus strand). Cytogenetic location: 1q42.3.
Variant type: single nucleotide variant.
Coding change: c.745C>T on transcript NM_182972.3 (MANE Select); coding-DNA position 745, C replaced by T.
Protein change: p.His249Tyr; replaces histidine 249 with tyrosine.
Molecular consequence: missense variant.
Genome position (GRCh38, 1-based): chr1:234,608,750, G>A on the plus strand (C>T on the coding strand, the complement: IRF2BP2 is on the minus strand). VCF-style: chr1-234608750-G-A. GRCh37 (hg19) VCF-style: chr1-234744496-G-A.
Other names: c.745C>T (NM_182972.2); c.745C>T, p.His249Tyr (NM_001077397.1); short protein forms H249Y.
Identifiers: ClinVar variation 1391984 (VCV001391984.8), dbSNP rs543247102, ClinGen allele CA1461786.

ClinVar aggregate classification (germline): Likely benign. Review status: criteria provided, single submitter (1 of 4 stars). 2 submissions from 2 submitters: Likely benign (1). 1 of the submissions does not count toward it. Last evaluated 2026-01-11.

Conditions:
IRF2BP2-related disorder. Also called: IRF2BP2-related condition.

Allele frequency attached by ClinVar (database versions not stated): ExAC 0.00010; gnomAD exomes 0.00017; gnomAD 0.00071 and 0.00076; 1000 Genomes Project 30x 0.00078; 1000 Genomes Project 0.00080; TOPMed 0.00109.
gnomAD v4.1: 269 of 1,496,676 alleles (0.018%); highest among the groups gnomAD compares: African/African-American, 0.2%; no homozygotes.

Submissions (2):

Labcorp Genetics (formerly Invitae), Labcorp
Classification: Likely benign. Last evaluated: 2026-01-11. Review status: criteria provided, single submitter. Criteria: Invitae Variant Classification Sherloc (09022015). Collection method: clinical testing. Allele origin: germline.

PreventionGenetics, part of Exact Sciences
Classification: Likely benign for IRF2BP2-related condition. Last evaluated: 2019-08-16. Review status: no assertion criteria provided. Collection method: clinical testing. Allele origin: germline. Not counted in ClinVar's aggregate classification.
Comment: This variant is classified as likely benign based on ACMG/AMP sequence variant interpretation guidelines (Richards et al. 2015 PMID: 25741868, with internal and published modifications).